The following is an entry in ClinVar:

NM_006922.4(SCN3A):c.5416C>T (p.Gln1806Ter)

Gene: SCN3A (sodium voltage-gated channel alpha subunit 3; minus strand). Cytogenetic location: 2q24.3.
Variant type: single nucleotide variant.
Coding change: c.5416C>T on transcript NM_006922.4 (MANE Select); coding-DNA position 5416, C replaced by T.
Protein change: p.Gln1806Ter; replaces glutamine 1806 with a stop codon.
Molecular consequence: nonsense.
Genome position (GRCh38, 1-based): chr2:165,090,737, G>A on the plus strand (C>T on the coding strand, the complement: SCN3A is on the minus strand). VCF-style: chr2-165090737-G-A. GRCh37 (hg19) VCF-style: chr2-165947247-G-A.
Other names: c.5269C>T, p.Gln1757Ter (NM_001081676.2, NM_001081677.2); short protein forms Q1757*, Q1806*.
Identifiers: ClinVar variation 4071895 (VCV004071895.1).

ClinVar aggregate classification (germline): Uncertain significance (1 of 4 stars; one submission).

Submission:

GeneDx
Classification: Uncertain significance. Last evaluated: 2025-01-28. Review status: criteria provided, single submitter. Criteria: GeneDx Variant Classification Process June 2021. Collection method: clinical testing. Allele origin: germline. Affected: yes.
Comment: Not observed at significant frequency in large population cohorts (gnomAD); Nonsense variant predicted to result in protein truncation as the last 195 amino acids are lost; Has not been previously published as pathogenic or benign to our knowledge